The following is an entry in ClinVar:

NM_001278512.2(AP3B2):c.2990G>C (p.Ser997Thr)

Genes: AP3B2 (adaptor related protein complex 3 subunit beta 2; minus strand), CPEB1-AS1 (CPEB1 antisense RNA 1; plus strand). Cytogenetic location: 15q25.2.
Variant type: single nucleotide variant.
Coding change: c.2990G>C on transcript NM_001278512.2 (MANE Select); coding-DNA position 2990, G replaced by C.
Protein change: p.Ser997Thr; replaces serine 997 with threonine.
Molecular consequence: missense variant.
Genome position (GRCh38, 1-based): chr15:82,661,851, C>G on the plus strand (G>C on the coding strand, the complement: AP3B2 is on the minus strand). VCF-style: chr15-82661851-C-G. GRCh37 (hg19) VCF-style: chr15-83330603-C-G.
Other names: c.2837G>C, p.Ser946Thr (NM_001278511.2); c.122G>C, p.Ser41Thr (NM_001348441.2); c.2933G>C, p.Ser978Thr (NM_004644.5); c.2933G>C (NM_004644.4, NM_004644.3); short protein forms S997T, S41T, S978T, S946T.
Identifiers: ClinVar variation 1346879 (VCV001346879.6), dbSNP rs201667255, ClinGen allele CA7699734.
Genomic context (GRCh38, chr15:82,661,851, plus strand): 5'-CTTCCCTCTCTGCCCACTCCCAGGGAGCACTCACCCTGTTCCTTCTTAAACTCATTTTCA[C>G]TCATGAACACAGGGGCCATCAGCTCCCCAACAGGTGGCTGAATGGAGACGTAGAACTGTC-3'
Protein context (NP_001265441.1, residues 987-1007): VGELMAPVFM[Ser997Thr]ENEFKKEQGK

ClinVar aggregate classification (germline): Uncertain significance. Review status: criteria provided, multiple submitters, no conflicts (2 of 4 stars). 2 submissions from 2 submitters: Uncertain significance (2). Last evaluated 2025-06-24.

Conditions:
Inborn genetic diseases. Identifiers: MedGen C0950123, MeSH D030342.
Developmental and epileptic encephalopathy, 48 (DEE48). Also called: Epileptic encephalopathy, early infantile, 48. Identifiers: MedGen C4310637, MONDO:0015000, OMIM 617276.

Allele frequency attached by ClinVar (database versions not stated): 1000 Genomes Project 0.00020; gnomAD 0.00020 and 0.00021; ESP Exome Variant Server 0.00024; ExAC 0.00007; gnomAD exomes 0.00009 and 0.00032; TOPMed 0.00019; 1000 Genomes Project 30x 0.00031.
gnomAD v4.1: 487 of 1,613,664 alleles (0.03%); highest among the groups gnomAD compares: Non-Finnish European, 0.04%; 2 homozygotes.

Submissions (2):

Ambry Genetics
Classification: Uncertain significance for Inborn genetic diseases. Last evaluated: 2025-06-24. Review status: criteria provided, single submitter. Criteria: Ambry Variant Classification Scheme 2023. Collection method: clinical testing. Allele origin: germline.

Labcorp Genetics (formerly Invitae), Labcorp
Classification: Uncertain significance. Last evaluated: 2022-08-20. Review status: criteria provided, single submitter. Criteria: Invitae Variant Classification Sherloc (09022015). Collection method: clinical testing. Allele origin: germline.
Comment: This sequence change replaces serine, which is neutral and polar, with threonine, which is neutral and polar, at codon 978 of the AP3B2 protein (p.Ser978Thr). This variant is present in population databases (rs201667255, gnomAD 0.02%). This variant has not been reported in the literature in individuals affected with AP3B2-related conditions. ClinVar contains an entry for this variant (Variation ID: 1346879). Algorithms developed to predict the effect of missense changes on protein structure and function (SIFT, PolyPhen-2, Align-GVGD) all suggest that this variant is likely to be tolerated. In summary, the available evidence is currently insufficient to determine the role of this variant in disease. Therefore, it has been classified as a Variant of Uncertain Significance.